The following is an entry in ClinVar:

ClinVar aggregate classification (germline): Uncertain significance (1 of 4 stars; one submission).

Submission:

Labcorp Genetics (formerly Invitae), Labcorp
Classification: Uncertain significance. Last evaluated: 2023-01-09. Review status: criteria provided, single submitter. Criteria: Invitae Variant Classification Sherloc (09022015). Collection method: clinical testing. Allele origin: germline.
Comment: This variant is not present in population databases (gnomAD no frequency). This sequence change creates a premature translational stop signal (p.Gly265*) in the CPA1 gene. It is expected to result in an absent or disrupted protein product. However, the current clinical and genetic evidence is not sufficient to establish whether loss-of-function variants in CPA1 cause disease. This variant has not been reported in the literature in individuals affected with CPA1-related conditions. ClinVar contains an entry for this variant (Variation ID: 1396755). In summary, the available evidence is currently insufficient to determine the role of this variant in disease. Therefore, it has been classified as a Variant of Uncertain Significance.

NM_001868.4(CPA1):c.793G>T (p.Gly265Ter)

Gene: CPA1 (carboxypeptidase A1; plus strand). Cytogenetic location: 7q32.2.
Variant type: single nucleotide variant.
Coding change: c.793G>T on transcript NM_001868.4 (MANE Select); coding-DNA position 793, G replaced by T.
Protein change: p.Gly265Ter; replaces glycine 265 with a stop codon.
Molecular consequence: nonsense.
Genome position (GRCh38, 1-based): chr7:130,385,151, G>T. VCF-style: chr7-130385151-G-T. GRCh37 (hg19) VCF-style: chr7-130024992-G-T.
Other names: short protein forms G265*.
Identifiers: ClinVar variation 1396755 (VCV001396755.6), dbSNP rs782588903, ClinGen allele CA369283188.